The following is an entry in ClinVar:

ClinVar aggregate classification (germline): Uncertain significance (1 of 4 stars; one submission).

Allele frequency attached by ClinVar (database versions not stated): gnomAD 0.00001; 1000 Genomes Project 30x 0.00016; 1000 Genomes Project 0.00020.
gnomAD v4.1: 1 of 1,614,052 alleles (0.000062%); highest among the groups gnomAD compares: Admixed American, 0.0017%; no homozygotes.

Submission:

Labcorp Genetics (formerly Invitae), Labcorp
Classification: Uncertain significance. Last evaluated: 2022-01-26. Review status: criteria provided, single submitter. Criteria: Invitae Variant Classification Sherloc (09022015). Collection method: clinical testing. Allele origin: germline.
Comment: This sequence change replaces glutamic acid, which is acidic and polar, with aspartic acid, which is acidic and polar, at codon 249 of the SERPINH1 protein (p.Glu249Asp). This variant is not present in population databases (gnomAD no frequency). This variant has not been reported in the literature in individuals affected with SERPINH1-related conditions. Advanced modeling of protein sequence and biophysical properties (such as structural, functional, and spatial information, amino acid conservation, physicochemical variation, residue mobility, and thermodynamic stability) performed at Invitae indicates that this missense variant is not expected to disrupt SERPINH1 protein function. In summary, the available evidence is currently insufficient to determine the role of this variant in disease. Therefore, it has been classified as a Variant of Uncertain Significance.

NM_001235.5(SERPINH1):c.747G>C (p.Glu249Asp)

Gene: SERPINH1 (serpin family H member 1; plus strand). Cytogenetic location: 11q13.5.
Variant type: single nucleotide variant.
Coding change: c.747G>C on transcript NM_001235.5 (MANE Select); coding-DNA position 747, G replaced by C.
Protein change: p.Glu249Asp; replaces glutamic acid 249 with aspartic acid.
Molecular consequence: missense variant.
Genome position (GRCh38, 1-based): chr11:75,568,964, G>C. VCF-style: chr11-75568964-G-C. GRCh37 (hg19) VCF-style: chr11-75280009-G-C.
Other names: c.747G>C, p.Glu249Asp (NM_001207014.3); short protein forms E249D.
Identifiers: ClinVar variation 2089819 (VCV002089819.4), dbSNP rs542837557, ClinGen allele CA224684032.